The following is an entry in ClinVar:

ClinVar aggregate classification (germline): Uncertain significance (1 of 4 stars; one submission).

Conditions:
Joubert syndrome. Also called: CEREBELLOPARENCHYMAL DISORDER IV; JOUBERT-BOLTSHAUSER SYNDROME; Familial aplasia of the vermis. Identifiers: Orphanet 475, MedGen C5979921, MONDO:0018772.
Meckel-Gruber syndrome. Also called: DYSENCEPHALIA SPLANCHNOCYSTICA; GRUBER SYNDROME; Dysencephalia splachnocystica. Identifiers: Orphanet 564, MedGen C0265215, MONDO:0018921.

Allele frequency attached by ClinVar (database versions not stated): TOPMed 0.00001.

Submission:

Labcorp Genetics (formerly Invitae), Labcorp
Classification: Uncertain significance for Joubert syndrome; Meckel-Gruber syndrome. Last evaluated: 2023-09-30. Review status: criteria provided, single submitter. Criteria: Invitae Variant Classification Sherloc (09022015). Collection method: clinical testing. Allele origin: germline.
Comment: In summary, the available evidence is currently insufficient to determine the role of this variant in disease. Therefore, it has been classified as a Variant of Uncertain Significance. Advanced modeling of protein sequence and biophysical properties (such as structural, functional, and spatial information, amino acid conservation, physicochemical variation, residue mobility, and thermodynamic stability) performed at Invitae indicates that this missense variant is expected to disrupt TMEM67 protein function. This variant has not been reported in the literature in individuals affected with TMEM67-related conditions. This variant is not present in population databases (gnomAD no frequency). This sequence change replaces tyrosine, which is neutral and polar, with cysteine, which is neutral and slightly polar, at codon 374 of the TMEM67 protein (p.Tyr374Cys).

NM_153704.6(TMEM67):c.1121A>G (p.Tyr374Cys)

Gene: TMEM67 (transmembrane protein 67; plus strand). Cytogenetic location: 8q22.1.
Variant type: single nucleotide variant.
Coding change: c.1121A>G on transcript NM_153704.6 (MANE Select); coding-DNA position 1121, A replaced by G.
Protein change: p.Tyr374Cys; replaces tyrosine 374 with cysteine.
Molecular consequence: missense variant. On other transcripts: non-coding transcript variant (1).
Genome position (GRCh38, 1-based): chr8:93,782,450, A>G. VCF-style: chr8-93782450-A-G. GRCh37 (hg19) VCF-style: chr8-94794678-A-G.
Other names: c.878A>G, p.Tyr293Cys (NM_001142301.1); short protein forms Y293C, Y374C.
Identifiers: ClinVar variation 2941023 (VCV002941023.3), dbSNP rs1211213263, ClinGen allele CA371689146.
Genomic context (GRCh38, chr8:93,782,450, plus strand): 5'-TGCAGCTTTGTCCAGACACAGAGACAAGGCTAAATGCTGCTTATTCATTTGGAACAACCT[A>G]CCAACAAAATGTAAGTTTGAACGATATTAGTCTATATTTTAGCTTTATTTTTCAAAATAT-3'
Protein context (NP_714915.3, residues 364-384): LNAAYSFGTT[Tyr374Cys]QQNCEIPISK